The following is an entry in ClinVar:

NM_170606.3(KMT2C):c.4303T>C (p.Ser1435Pro)

Gene: KMT2C (lysine methyltransferase 2C; minus strand). Cytogenetic location: 7q36.1.
Variant type: single nucleotide variant.
Coding change: c.4303T>C on transcript NM_170606.3 (MANE Select); coding-DNA position 4303, T replaced by C.
Protein change: p.Ser1435Pro; replaces serine 1435 with proline.
Molecular consequence: missense variant.
Genome position (GRCh38, 1-based): chr7:152,195,982, A>G on the plus strand (T>C on the coding strand, the complement: KMT2C is on the minus strand). VCF-style: chr7-152195982-A-G. GRCh37 (hg19) VCF-style: chr7-151893067-A-G.
Other names: short protein forms S1435P.
Identifiers: ClinVar variation 3361628 (VCV003361628.2).

ClinVar aggregate classification (germline): Conflicting classifications of pathogenicity. Review status: criteria provided, conflicting classifications (1 of 4 stars). 2 submissions from 2 submitters: Uncertain significance (1); Likely benign (1). Last evaluated 2026-02-24.

Conditions:
Kleefstra syndrome 2 (KLEFS2). Identifiers: MedGen C4540395, MONDO:0054701, OMIM 617768.

Submissions (2):

Centre for Medical Genetics,  Mumbai
Classification: Likely benign for Kleefstra syndrome 2. Last evaluated: 2026-02-24. Review status: criteria provided, single submitter. Criteria: ACMG Guidelines, 2015. Collection method: provider interpretation. Allele origin: germline. Inheritance: Autosomal dominant inheritance. Affected: no. Observed: 1 heterozygote.
Comment: The variant satisfies PM2 criteria; Extremely low frequency in gnomAD population databases. However, the variant satisfies BS2 criteria.

GeneDx
Classification: Uncertain significance. Last evaluated: 2023-08-05. Review status: criteria provided, single submitter. Criteria: GeneDx Variant Classification Process June 2021. Collection method: clinical testing. Allele origin: germline. Affected: yes.
Comment: Not observed at significant frequency in large population cohorts (gnomAD); In silico analysis supports that this missense variant does not alter protein structure/function; Has not been previously published as pathogenic or benign to our knowledge

Literature cited by the submitters: PubMed 22726846 (cited by Centre for Medical Genetics,  Mumbai).